The following is an entry in ClinVar:

ClinVar aggregate classification (germline): Uncertain significance (1 of 4 stars; one submission).

Conditions:
Charcot-Marie-Tooth disease type 2. Also called: Charcot-Marie-Tooth type 2. Identifiers: Orphanet 64746, MedGen C0270914, MONDO:0018993.

Submission:

Labcorp Genetics (formerly Invitae), Labcorp
Classification: Uncertain significance for Charcot-Marie-Tooth disease type 2. Last evaluated: 2023-07-09. Review status: criteria provided, single submitter. Criteria: Invitae Variant Classification Sherloc (09022015). Collection method: clinical testing. Allele origin: germline.
Comment: This variant is not present in population databases (gnomAD no frequency). This sequence change replaces lysine, which is basic and polar, with glutamic acid, which is acidic and polar, at codon 265 of the LMNA protein (p.Lys265Glu). This variant has not been reported in the literature in individuals affected with LMNA-related conditions. Advanced modeling of protein sequence and biophysical properties (such as structural, functional, and spatial information, amino acid conservation, physicochemical variation, residue mobility, and thermodynamic stability) performed at Invitae indicates that this missense variant is expected to disrupt LMNA protein function. In summary, the available evidence is currently insufficient to determine the role of this variant in disease. Therefore, it has been classified as a Variant of Uncertain Significance.

NM_170707.4(LMNA):c.793A>G (p.Lys265Glu)

Gene: LMNA (lamin A/C; plus strand). Cytogenetic location: 1q22.
Variant type: single nucleotide variant.
Coding change: c.793A>G on transcript NM_170707.4 (MANE Select); coding-DNA position 793, A replaced by G.
Protein change: p.Lys265Glu; replaces lysine 265 with glutamic acid.
Molecular consequence: missense variant. On other transcripts: synonymous variant (4).
Genome position (GRCh38, 1-based): chr1:156,134,958, A>G. VCF-style: chr1-156134958-A-G. GRCh37 (hg19) VCF-style: chr1-156104749-A-G.
Other names: c.793A>G, p.Lys265Glu (NM_170708.4, NM_001282625.2, NM_001282626.2 and 6 more transcripts); c.457A>G, p.Lys153Glu (NM_001257374.3, NM_001406989.1, NM_001406998.1); c.550A>G, p.Lys184Glu (NM_001282624.2, NM_001406986.1, NM_001406987.1); c.496A>G, p.Lys166Glu (NM_001406988.1); c.235A>G, p.Lys79Glu (NM_001406990.1, NM_001406993.1, NM_001406995.1 and 4 more transcripts); c.129A>G, p.Arg43= (NM_001406994.1, NM_001406999.1, NM_001407000.1 and 1 more transcripts); short protein forms K79E, K153E, K166E, K184E, K265E.
Identifiers: ClinVar variation 2799919 (VCV002799919.3), dbSNP rs2527975392, ClinGen allele CA342817419.